The following is an entry in ClinVar:

ClinVar aggregate classification (germline): Uncertain significance (1 of 4 stars; one submission).

Submission:

Labcorp Genetics (formerly Invitae), Labcorp
Classification: Uncertain significance. Last evaluated: 2025-04-09. Review status: criteria provided, single submitter. Criteria: Invitae Variant Classification Sherloc (09022015). Collection method: clinical testing. Allele origin: germline.
Comment: This sequence change replaces phenylalanine, which is neutral and non-polar, with valine, which is neutral and non-polar, at codon 1179 of the COL11A1 protein (p.Phe1179Val). This variant is not present in population databases (gnomAD no frequency). This variant has not been reported in the literature in individuals affected with COL11A1-related conditions. Invitae Evidence Modeling of protein sequence and biophysical properties (such as structural, functional, and spatial information, amino acid conservation, physicochemical variation, residue mobility, and thermodynamic stability) indicates that this missense variant is not expected to disrupt COL11A1 protein function with a negative predictive value of 80%. In summary, the available evidence is currently insufficient to determine the role of this variant in disease. Therefore, it has been classified as a Variant of Uncertain Significance.

NM_001854.4(COL11A1):c.3535T>G (p.Phe1179Val)

Gene: COL11A1 (collagen type XI alpha 1 chain; minus strand). Cytogenetic location: 1p21.1.
Variant type: single nucleotide variant.
Coding change: c.3535T>G on transcript NM_001854.4 (MANE Select); coding-DNA position 3535, T replaced by G.
Protein change: p.Phe1179Val; replaces phenylalanine 1179 with valine.
Molecular consequence: missense variant. On other transcripts: non-coding transcript variant (1).
Genome position (GRCh38, 1-based): chr1:102,934,514, A>C on the plus strand (T>G on the coding strand, the complement: COL11A1 is on the minus strand). VCF-style: chr1-102934514-A-C. GRCh37 (hg19) VCF-style: chr1-103400070-A-C.
Other names: c.3418T>G, p.Phe1140Val (NM_001190709.2); c.3571T>G, p.Phe1191Val (NM_080629.3); c.3187T>G, p.Phe1063Val (NM_080630.4); short protein forms F1063V, F1140V, F1179V, F1191V.
Identifiers: ClinVar variation 4800399 (VCV004800399.1).